The following is an entry in ClinVar:

ClinVar aggregate classification (germline): Uncertain significance (1 of 4 stars; one submission).

Submission:

Mayo Clinic Laboratories, Mayo Clinic
Classification: Uncertain significance. Last evaluated: 2024-05-01. Review status: criteria provided, single submitter. Criteria: ACMG Guidelines, 2015. Collection method: clinical testing. Allele origin: germline. Observed: 1 variant allele.
Comment: PM2

NM_004977.3(KCNC3):c.2006C>T (p.Ala669Val)

Gene: KCNC3 (potassium voltage-gated channel subfamily C member 3; minus strand). Cytogenetic location: 19q13.33.
Variant type: single nucleotide variant.
Coding change: c.2006C>T on transcript NM_004977.3 (MANE Select); coding-DNA position 2006, C replaced by T.
Protein change: p.Ala669Val; replaces alanine 669 with valine.
Molecular consequence: missense variant. On other transcripts: non-coding transcript variant (1).
Genome position (GRCh38, 1-based): chr19:50,320,757, G>A on the plus strand (C>T on the coding strand, the complement: KCNC3 is on the minus strand). VCF-style: chr19-50320757-G-A. GRCh37 (hg19) VCF-style: chr19-50824014-G-A.
Other names: p.Ala669Val; c.1778C>T, p.Ala593Val (NM_001372305.1); short protein forms A593V, A669V.
Identifiers: ClinVar variation 3380635 (VCV003380635.1).